The following is an entry in ClinVar:

ClinVar aggregate classification (germline): Benign/Likely benign. Review status: criteria provided, multiple submitters, no conflicts (2 of 4 stars). 3 submissions from 3 submitters: Benign (1); Likely benign (1). 1 of the submissions does not count toward it. Last evaluated 2025-04-01.

Conditions:
CUX2-related disorder. Also called: CUX2-related condition.

Allele frequency attached by ClinVar (database versions not stated): TOPMed 0.00002; 1000 Genomes Project 30x 0.00031; 1000 Genomes Project 0.00040.
gnomAD v4.1: 136 of 1,611,864 alleles (0.0084%); highest among the groups gnomAD compares: South Asian, 0.12%; 4 homozygotes.

Submissions (3):

CeGaT Center for Human Genetics Tuebingen
Classification: Benign. Last evaluated: 2025-04-01. Review status: criteria provided, single submitter. Criteria: CeGaT Center For Human Genetics Tuebingen Variant Classification Criteria Version 2. Collection method: clinical testing. Allele origin: germline. Affected: yes. Observed: 1 variant allele.
Comment: CUX2: PP3, BS1, BS2

Blueprint Genetics
Classification: Likely benign. Last evaluated: 2024-08-13. Review status: criteria provided, single submitter. Criteria: ACMG Guidelines, 2015. Collection method: clinical testing. Allele origin: germline.

PreventionGenetics, part of Exact Sciences
Classification: Likely benign for CUX2-related condition. Last evaluated: 2022-09-13. Review status: no assertion criteria provided. Collection method: clinical testing. Allele origin: germline. Not counted in ClinVar's aggregate classification.
Comment: This variant is classified as likely benign based on ACMG/AMP sequence variant interpretation guidelines (Richards et al. 2015 PMID: 25741868, with internal and published modifications).

NM_015267.4(CUX2):c.885G>A (p.Ser295=)

Gene: CUX2 (cut like homeobox 2; plus strand). Cytogenetic location: 12q24.12.
Variant type: single nucleotide variant.
Coding change: c.885G>A on transcript NM_015267.4 (MANE Select); coding-DNA position 885, G replaced by A.
Protein change: p.Ser295=; no amino-acid change (serine 295 retained).
Molecular consequence: synonymous variant.
Genome position (GRCh38, 1-based): chr12:111,306,947, G>A. VCF-style: chr12-111306947-G-A. GRCh37 (hg19) VCF-style: chr12-111744751-G-A.
Other names: c.699G>A, p.Ser233= (NM_001370598.1).
Identifiers: ClinVar variation 3053975 (VCV003053975.10), dbSNP rs200854950, ClinGen allele CA6788511.
Genomic context (GRCh38, chr12:111,306,947, plus strand): 5'-CCTCTCAGCCCCTCAAAGACCCCTTTGCCTGCAGGATAAGGTGAACTTCACTCTGTGCTC[G>A]GGCCCTCGGCTGGAGGCCGCGCTGGCCTCCAAGGACAGGGAGATCCTGCGGCTGCTGAAG-3'
Protein context (NP_056082.2, residues 285-305): SGDKVNFTLC[Ser295=]GPRLEAALAS